The following is an entry in ClinVar:

NM_002858.4(ABCD3):c.246+5G>A

Gene: ABCD3 (ATP binding cassette subfamily D member 3; plus strand). Cytogenetic location: 1p21.3.
Variant type: single nucleotide variant.
Coding change: c.246+5G>A on transcript NM_002858.4 (MANE Select); 5 bases into the intron after coding-DNA position 246, G replaced by A.
Molecular consequence: intron variant.
Genome position (GRCh38, 1-based): chr1:94,464,878, G>A. VCF-style: chr1-94464878-G-A. GRCh37 (hg19) VCF-style: chr1-94930434-G-A.
Other names: c.246+5G>A (NM_001122674.2).
Identifiers: ClinVar variation 1471339 (VCV001471339.6), dbSNP rs1648064350, ClinGen allele CA1004596643.

ClinVar aggregate classification (germline): Uncertain significance (1 of 4 stars; one submission).

Allele frequency attached by ClinVar (database versions not stated): gnomAD 0.00001; TOPMed below 0.00001; gnomAD exomes below 0.00001.
gnomAD v4.1: 2 of 1,607,718 alleles (0.00012%); highest among the groups gnomAD compares: Non-Finnish European, 0.00017%; no homozygotes.

Submission:

Labcorp Genetics (formerly Invitae), Labcorp
Classification: Uncertain significance. Last evaluated: 2025-03-03. Review status: criteria provided, single submitter. Criteria: Invitae Variant Classification Sherloc (09022015). Collection method: clinical testing. Allele origin: germline.
Comment: This sequence change falls in intron 3 of the ABCD3 gene. It does not directly change the encoded amino acid sequence of the ABCD3 protein. It affects a nucleotide within the consensus splice site. This variant is not present in population databases (gnomAD no frequency). This variant has not been reported in the literature in individuals affected with ABCD3-related conditions. ClinVar contains an entry for this variant (Variation ID: 1471339). Variants that disrupt the consensus splice site are a relatively common cause of aberrant splicing (PMID: 17576681, 9536098). Algorithms developed to predict the effect of sequence changes on RNA splicing suggest that this variant is not likely to affect RNA splicing. In summary, the available evidence is currently insufficient to determine the role of this variant in disease. Therefore, it has been classified as a Variant of Uncertain Significance.

Literature cited by the submitters: PubMed 17576681; PubMed 9536098.